The following is an entry in ClinVar:

ClinVar aggregate classification (germline): Likely benign (1 of 4 stars; one submission).

Allele frequency attached by ClinVar (database versions not stated): 1000 Genomes Project 30x 0.00344; 1000 Genomes Project 0.00359; gnomAD 0.01001 and 0.01022; TOPMed 0.01030.
gnomAD v4.1: 1,540 of 152,304 alleles (1%); highest among the groups gnomAD compares: Middle Eastern, 2%; 13 homozygotes.

Submission:

GeneDx
Classification: Likely benign. Last evaluated: 2018-06-16. Review status: criteria provided, single submitter. Criteria: GeneDx Variant Classification (06012015). Collection method: clinical testing. Allele origin: germline. Affected: yes.
Comment: This variant is considered likely benign or benign based on one or more of the following criteria: it is a conservative change, it occurs at a poorly conserved position in the protein, it is predicted to be benign by multiple in silico algorithms, and/or has population frequency not consistent with disease.

NM_001005361.3(DNM2):c.2291+153G>A

Gene: DNM2 (dynamin 2; plus strand). Cytogenetic location: 19p13.2.
Variant type: single nucleotide variant.
Coding change: c.2291+153G>A on transcript NM_001005361.3 (MANE Select); 153 bases into the intron after coding-DNA position 2291, G replaced by A.
Molecular consequence: intron variant.
Genome position (GRCh38, 1-based): chr19:10,829,421, G>A. VCF-style: chr19-10829421-G-A. GRCh37 (hg19) VCF-style: chr19-10940097-G-A.
Other names: c.2291+153G>A (NM_001005360.3, NM_001190716.2); c.2279+153G>A (NM_004945.4, NM_001005362.3).
Identifiers: ClinVar variation 670395 (VCV000670395.1), dbSNP rs113951641, ClinGen allele CA305271407.